The following is an entry in ClinVar:

NC_012920.1(MT-ND2):m.4506A>G

Gene: MT-ND2 (mitochondrially encoded NADH dehydrogenase 2; plus strand).
Variant type: single nucleotide variant.
Genome position: chrM-4506-A-G.
Identifiers: ClinVar variation 692455 (VCV000692455.1), dbSNP rs11510099, ClinGen allele CA337096893.

ClinVar aggregate classification (germline): Benign (1 of 4 stars; one submission).

Conditions:
Leigh syndrome (NULS). Also called: Leigh's necrotizing encephalopathy; Leigh's disease; Leigh Syndrome (mtDNA deletion); Leigh Disease; Subacute necrotizing encephalopathy; Necrotizing encephalopathy infantile subacute of Leigh. Identifiers: Orphanet 506, MedGen C2931891, MONDO:0009723, OMIM 256000.

Submission:

Wong Mito Lab, Molecular and Human Genetics, Baylor College of Medicine
Classification: Benign for Leigh syndrome. Last evaluated: 2019-10-17. Review status: criteria provided, single submitter. Criteria: Modified ACMG Guidelines (Unpublished). Collection method: clinical testing. Allele origin: germline.
Comment: The NC_012920.1:m.4506A>G (YP_003024027.1:p.Ile13Val) variant in MTND2 gene is interpretated to be a Benign variant based on the modified ACMG guidelines (unpublished). This variant meets the following evidence codes: BS1, BS2, BP4